The following is an entry in ClinVar:

ClinVar aggregate classification (germline): Conflicting classifications of pathogenicity. Review status: criteria provided, conflicting classifications (1 of 4 stars). 3 submissions from 3 submitters: Likely pathogenic (2); Uncertain significance (1). Last evaluated 2025-09-01.

Conditions:
Familial thoracic aortic aneurysm and aortic dissection (TAAD). Also called: Thoracic aortic aneurysms and dissections. Identifiers: Orphanet 91387, MedGen C4707243, MONDO:0019625.
Aortic aneurysm, familial thoracic 6 (AAT6). Also called: FAMILIAL THORACIC AORTIC ANEURYSM WITH LIVEDO RETICULARIS AND IRIS FLOCCULI. Identifiers: MedGen C2673186, MONDO:0012730, OMIM 611788.

Allele frequency attached by ClinVar (database versions not stated): gnomAD exomes below 0.00001.
gnomAD v4.1: 3 of 1,613,980 alleles (0.00019%); highest among the groups gnomAD compares: Non-Finnish European, 0.00025%; no homozygotes.

Submissions (3):

Labcorp Genetics (formerly Invitae), Labcorp
Classification: Likely pathogenic for Aortic aneurysm, familial thoracic 6. Last evaluated: 2025-09-01. Review status: criteria provided, single submitter. Criteria: Invitae Variant Classification Sherloc (09022015). Collection method: clinical testing. Allele origin: germline.
Comment: This sequence change replaces arginine, which is basic and polar, with histidine, which is basic and polar, at codon 256 of the ACTA2 protein (p.Arg256His). This variant is not present in population databases (gnomAD no frequency). This missense change has been observed in individuals with clinical features of thoracic aortic aneurysms and dissections (PMID: 29543232; internal data). ClinVar contains an entry for this variant (Variation ID: 264363). Invitae Evidence Modeling of protein sequence and biophysical properties (such as structural, functional, and spatial information, amino acid conservation, physicochemical variation, residue mobility, and thermodynamic stability) indicates that this missense variant is not expected to disrupt ACTA2 protein function with a negative predictive value of 80%. This variant disrupts the p.Arg256 amino acid residue in ACTA2. Other variant(s) that disrupt this residue have been observed in individuals with ACTA2-related conditions (internal data), which suggests that this may be a clinically significant amino acid residue. In summary, the currently available evidence indicates that the variant is pathogenic, but additional data are needed to prove that conclusively. Therefore, this variant has been classified as Likely Pathogenic.

Ambry Genetics
Classification: Likely pathogenic for Familial thoracic aortic aneurysm and aortic dissection. Last evaluated: 2024-08-06. Review status: criteria provided, single submitter. Criteria: Ambry Variant Classification Scheme 2023. Collection method: clinical testing. Allele origin: germline.
Comment: The p.R256H variant (also known as c.767G>A), located in coding exon 6 of the ACTA2 gene, results from a G to A substitution at nucleotide position 767. The arginine at codon 256 is replaced by histidine, an amino acid with highly similar properties. Based on internal structural analysis, this alteration is deleterious, being highly destabilizing to the local structure (Ambry internal data). Additionally, this alteration has been reported in individuals with thoracic aortic aneurysm and dissection (TAAD) (Weerakkody R et al. Genet Med, 2018 Nov;20:1414-1422; Ambry internal data; external communication). This missense alteration is located in a region that has a low rate of benign missense variation (Lek M et al. Nature. 2016 Aug 18;536(7616):285-91; DECIPHER: Database of Chromosomal Imbalance and Phenotype in Humans using Ensembl Resources. Firth H.V. et al. 2009. Am.J.Hum.Genet. 84, 524-533 (DOI)). This variant is considered to be rare based on population cohorts in the Genome Aggregation Database (gnomAD). This amino acid position is highly conserved in available vertebrate species. In addition, this alteration is predicted to be deleterious by in silico analysis. Based on the majority of available evidence to date, this variant is likely to be pathogenic.

GeneDx
Classification: Uncertain significance. Last evaluated: 2022-11-04. Review status: criteria provided, single submitter. Criteria: GeneDx Variant Classification Process June 2021. Collection method: clinical testing. Allele origin: germline. Affected: yes.
Comment: Not observed at significant frequency in large population cohorts (gnomAD); In silico analysis supports that this missense variant has a deleterious effect on protein structure/function; This variant is associated with the following publications: (PMID: 29543232)

Literature cited by the submitters: PubMed 29543232 (cited by Labcorp Genetics (formerly Invitae), Labcorp and Ambry Genetics).

NM_001613.4(ACTA2):c.767G>A (p.Arg256His)

Genes: ACTA2-AS1 (ACTA2 antisense RNA 1; plus strand), ACTA2 (actin alpha 2, smooth muscle; minus strand). Cytogenetic location: 10q23.31.
Variant type: single nucleotide variant.
Coding change: c.767G>A on transcript NM_001613.4 (MANE Select); coding-DNA position 767, G replaced by A.
Protein change: p.Arg256His; replaces arginine 256 with histidine.
Molecular consequence: missense variant. On other transcripts: non-coding transcript variant (1).
Genome position (GRCh38, 1-based): chr10:88,939,548, C>T on the plus strand (G>A on the coding strand, the complement: ACTA2 is on the minus strand). VCF-style: chr10-88939548-C-T. GRCh37 (hg19) VCF-style: chr10-90699305-C-T.
Other names: c.767G>A, p.Arg256His (NM_001141945.3, NM_001320855.2, NM_001406462.1 and 2 more transcripts); c.656G>A, p.Arg219His (NM_001406466.1); c.638G>A, p.Arg213His (NM_001406467.1, NM_001406468.1, NM_001406469.1); short protein forms R256H, R219H, R213H.
Identifiers: ClinVar variation 264363 (VCV000264363.18), dbSNP rs766734961, ClinGen allele CA10587709.
Genomic context (GRCh38, chr10:88,939,548, plus strand): 5'-AAGGGCGTTTGTTGCCTACCGATGAAGGATGGCTGGAACAGGGTCTCTGGGCAGCGGAAA[C>T]GTTCATTTCCGATGGTGATCACTTGCCCATCAGGCAACTCGTAACTCTTCTCAAGGGAGG-3'
Protein context (NP_001604.1, residues 246-266): DGQVITIGNE[Arg256His]FRCPETLFQP